The following is an entry in ClinVar:

Conditions:
Breast-ovarian cancer, familial, susceptibility to, 1 (BROVCA1). Also called: BRCA1 Hereditary Breast and Ovarian Cancer; OVARIAN CANCER, SUSCEPTIBILITY TO. Identifiers: Orphanet 145, MedGen C2676676, MONDO:0011450, OMIM 604370. Disease mechanism: loss of function.

Submission:

Brotman Baty Institute, University of Washington
No classification provided (evidence only). Condition: Breast-ovarian cancer, familial 1. Review status: no classification provided. Collection method: in vitro. Allele origin: not applicable. Functional consequence: functionally_normal.
ClinVar note: "not provided" was previously submitted as the classification for the variant. However, the classification appeared to be based only on an observation of functional data so it was converted to no classification on 2025-07-30.

NM_007294.4(BRCA1):c.5081A>T (p.Glu1694Val)

Gene: BRCA1 (BRCA1 DNA repair associated; minus strand). Cytogenetic location: 17q21.31.
Variant type: single nucleotide variant.
Coding change: c.5081A>T on transcript NM_007294.4 (MANE Select); coding-DNA position 5081, A replaced by T.
Protein change: p.Glu1694Val; replaces glutamic acid 1694 with valine.
Molecular consequence: missense variant. On other transcripts: non-coding transcript variant (1).
Genome position (GRCh38, 1-based): chr17:43,063,945, T>A on the plus strand (A>T on the coding strand, the complement: BRCA1 is on the minus strand). VCF-style: chr17-43063945-T-A. GRCh37 (hg19) VCF-style: chr17-41215962-T-A.
Other names: c.4868A>T, p.Glu1623Val (NM_001407571.1, NM_001407894.1, NM_001407895.1 and 12 more transcripts); c.5147A>T, p.Glu1716Val (NM_001407581.1, NM_001407582.1); c.5144A>T, p.Glu1715Val (NM_001407583.1, NM_001407585.1, NM_001407587.1 and 1 more transcripts); c.5141A>T, p.Glu1714Val (NM_001407590.1, NM_001407591.1); c.5081A>T, p.Glu1694Val (NM_001407593.1, NM_001407594.1, NM_001407596.1 and 7 more transcripts); c.5078A>T, p.Glu1693Val (NM_001407619.1, NM_001407620.1, NM_001407621.1 and 17 more transcripts); c.5075A>T, p.Glu1692Val (NM_001407627.1, NM_001407638.1, NM_001407639.1 and 14 more transcripts); c.5072A>T, p.Glu1691Val (NM_001407644.1, NM_001407645.1); and 71 more; short protein forms E1694V, E1647V, E1715V, E590V, E1397V, E1581V, E1583V, E1624V.
Identifiers: ClinVar variation 868619 (VCV000868619.3), dbSNP rs1567769562, ClinGen allele CA10591360.
Genomic context (GRCh38, chr17:43,063,945, plus strand): 5'-ACTACCCATTTTCCTCCCGCAATTCCTAGAAAATATTTCAGTGTCCGTTCACACACAAAC[T>A]CAGCATCTGCAGAATGAAAAACACTCAAAGGATTAGAAGTTGAAAACAAAATCAGGAAGT-3'
Protein context (NP_009225.1, residues 1684-1704): TTHVVMKTDA[Glu1694Val]FVCERTLKYF